The following is an entry in ClinVar:

NM_001267550.2(TTN):c.104C>T (p.Pro35Leu)

Gene: TTN (titin; minus strand). Cytogenetic location: 2q31.2.
Variant type: single nucleotide variant.
Coding change: c.104C>T on transcript NM_001267550.2 (MANE Select); coding-DNA position 104, C replaced by T.
Protein change: p.Pro35Leu; replaces proline 35 with leucine.
Molecular consequence: missense variant.
Genome position (GRCh38, 1-based): chr2:178,802,329, G>A on the plus strand (C>T on the coding strand, the complement: TTN is on the minus strand). VCF-style: chr2-178802329-G-A. GRCh37 (hg19) VCF-style: chr2-179667056-G-A.
Other names: c.104C>T, p.Pro35Leu (NM_133432.3, NM_133437.4, NM_001256850.1 and 3 more transcripts); short protein forms P35L.
Identifiers: ClinVar variation 4885286 (VCV004885286.2).

ClinVar aggregate classification (germline): Uncertain significance (1 of 4 stars; one submission).

gnomAD v4.1: 2 of 1,614,030 alleles (0.00012%); highest among the groups gnomAD compares: Non-Finnish European, 0.00017%; no homozygotes.

Submission:

Dasa
Classification: Uncertain significance. Last evaluated: 2026-02-18. Review status: criteria provided, single submitter. Criteria: DASA Assertion Criteria. Collection method: clinical testing. Allele origin: germline.
Comment: NM_001267550.2(TTN):c.104C>T (p.Pro35Leu) is a missense variant that results in the substitution of proline with leucine. This variant is rare in population databases. Computational prediction algorithms are consistent with a deleterious effect. The currently available literature and clinical evidence are not sufficient to establish a definitive association between this variant and the reported condition. Therefore, this variant is classified as a variant of uncertain significance.